The following is an entry in ClinVar:

ClinVar aggregate classification (germline): Uncertain significance (1 of 4 stars; one submission).

Submission:

Labcorp Genetics (formerly Invitae), Labcorp
Classification: Uncertain significance. Last evaluated: 2025-01-30. Review status: criteria provided, single submitter. Criteria: Invitae Variant Classification Sherloc (09022015). Collection method: clinical testing. Allele origin: germline.
Comment: This sequence change replaces leucine, which is neutral and non-polar, with valine, which is neutral and non-polar, at codon 724 of the ACO2 protein (p.Leu724Val). This variant is not present in population databases (gnomAD no frequency). This variant has not been reported in the literature in individuals affected with ACO2-related conditions. Invitae Evidence Modeling of protein sequence and biophysical properties (such as structural, functional, and spatial information, amino acid conservation, physicochemical variation, residue mobility, and thermodynamic stability) indicates that this missense variant is not expected to disrupt ACO2 protein function with a negative predictive value of 80%. Algorithms developed to predict the effect of sequence changes on RNA splicing suggest that this variant may create or strengthen a splice site. In summary, the available evidence is currently insufficient to determine the role of this variant in disease. Therefore, it has been classified as a Variant of Uncertain Significance.

NM_001098.3(ACO2):c.2170C>G (p.Leu724Val)

Genes: ACO2 (aconitase 2; plus strand), POLR3H (RNA polymerase III subunit H; minus strand). Cytogenetic location: 22q13.2.
Variant type: single nucleotide variant.
Coding change: c.2170C>G on transcript NM_001098.3 (MANE Select); coding-DNA position 2170, C replaced by G.
Protein change: p.Leu724Val; replaces leucine 724 with valine.
Molecular consequence: missense variant. On other transcripts: 3 prime UTR variant (5).
Genome position (GRCh38, 1-based): chr22:41,527,984, C>G. VCF-style: chr22-41527984-C-G. GRCh37 (hg19) VCF-style: chr22-41923988-C-G.
Other names: c.*1299G>C (NM_001018050.4, NM_001018052.4, NM_001282884.2 and 2 more transcripts); short protein forms L724V.
Identifiers: ClinVar variation 3672143 (VCV003672143.2).